The following is an entry in ClinVar:

ClinVar aggregate classification (germline): Conflicting classifications of pathogenicity. Review status: criteria provided, conflicting classifications (1 of 4 stars). 2 submissions from 2 submitters: Uncertain significance (1); Benign (1). Last evaluated 2025-12-03.

Conditions:
Hereditary cancer-predisposing syndrome. Also called: Tumor predisposition; Neoplastic Syndromes, Hereditary; Hereditary Cancer Syndrome; Hereditary neoplastic syndrome. Identifiers: Orphanet 140162, MedGen C0027672, MeSH D009386, MONDO:0015356.
Gorlin syndrome. Also called: Basal cell nevus syndrome; Nevoid Basal Cell Carcinoma Syndrome. Identifiers: Orphanet 377, MedGen C0004779, MONDO:0007187.

Allele frequency attached by ClinVar (database versions not stated): ExAC 0.00001; gnomAD exomes 0.00001.

Submissions (2):

Labcorp Genetics (formerly Invitae), Labcorp
Classification: Benign for Gorlin syndrome. Last evaluated: 2025-12-03. Review status: criteria provided, single submitter. Criteria: Invitae Variant Classification Sherloc (09022015). Collection method: clinical testing. Allele origin: germline.

Ambry Genetics
Classification: Uncertain significance for Hereditary cancer-predisposing syndrome. Last evaluated: 2023-11-06. Review status: criteria provided, single submitter. Criteria: Ambry Variant Classification Scheme 2023. Collection method: clinical testing. Allele origin: germline.
Comment: The p.M192V variant (also known as c.574A>G), located in coding exon 3 of the PTCH1 gene, results from an A to G substitution at nucleotide position 574. The methionine at codon 192 is replaced by valine, an amino acid with highly similar properties. This amino acid position is conserved. In addition, the in silico prediction for this alteration is inconclusive. Since supporting evidence is limited at this time, the clinical significance of this alteration remains unclear.

NM_000264.5(PTCH1):c.574A>G (p.Met192Val)

Gene: PTCH1 (patched 1; minus strand). Cytogenetic location: 9q22.32.
Variant type: single nucleotide variant.
Coding change: c.574A>G on transcript NM_000264.5 (MANE Select); coding-DNA position 574, A replaced by G.
Protein change: p.Met192Val; replaces methionine 192 with valine.
Molecular consequence: missense variant. On other transcripts: non-coding transcript variant (1).
Genome position (GRCh38, 1-based): chr9:95,485,695, T>C on the plus strand (A>G on the coding strand, the complement: PTCH1 is on the minus strand). VCF-style: chr9-95485695-T-C. GRCh37 (hg19) VCF-style: chr9-98247977-T-C.
Other names: c.376A>G, p.Met126Val (NM_001083602.3, NM_001354919.2); c.571A>G, p.Met191Val (NM_001083603.3); c.121A>G, p.Met41Val (NM_001083604.3, NM_001083605.3, NM_001083606.3 and 1 more transcripts); c.574A>G, p.Met192Val (NM_001354918.2); c.574A>G (NM_000264.3); short protein forms M126V, M191V, M192V, M41V.
Identifiers: ClinVar variation 1058232 (VCV001058232.10), dbSNP rs763513784, ClinGen allele CA5138921.
Genomic context (GRCh38, chr9:95,485,695, plus strand): 5'-CCCACCGCCTTACCTGCTGCTCATTAGTAGGTGGACGCGGCGGGCCTTACCTGTTGTACA[T>C]GTATACATGGACACGGCTGGCCTGGAGTGCCGAGTCCAGGTGTTGTAGGAGCGCTTCTGT-3'
Protein context (NP_000255.2, residues 182-202): ALQASRVHVY[Met192Val]YNRQWKLEHL